The following is an entry in ClinVar:

ClinVar aggregate classification (germline): Uncertain significance. Review status: criteria provided, multiple submitters, no conflicts (2 of 4 stars). 5 submissions from 5 submitters: Uncertain significance (5). Last evaluated 2025-10-14.

Conditions:
PKD1-related disorder. Also called: PKD1-related condition.
Polycystic kidney disease, adult type (PKD1). Also called: POLYCYSTIC KIDNEY DISEASE 1 WITH OR WITHOUT POLYCYSTIC LIVER DISEASE; POLYCYSTIC KIDNEY DISEASE, ADULT, TYPE I; Polycystic Kidney Disease 1, Autosomal Dominant; Polycystic kidney disease 1; Polycystic kidney disease 1, severe; Polycystic Kidney, Autosomal Dominant. Identifiers: MedGen C3149841, MONDO:0008263, OMIM 173900.

Allele frequency attached by ClinVar (database versions not stated): TOPMed below 0.00001; gnomAD exomes 0.00001.
gnomAD v4.1: 14 of 1,563,056 alleles (0.0009%); highest among the groups gnomAD compares: Admixed American, 0.0057%; no homozygotes.

Submissions (5):

PreventionGenetics, part of Exact Sciences
Classification: Uncertain significance for PKD1-related condition. Last evaluated: 2025-10-14. Review status: criteria provided, single submitter. Criteria: ACMG Guidelines, 2015. Collection method: clinical testing. Allele origin: germline.
Comment: The PKD1 c.9815G>A variant is predicted to result in the amino acid substitution p.Arg3272His. This variant has been reported in the presence of a loss-of-function PKD1 variant in an individual with autosomal dominant polycystic kidney disease and the loss-of-function PKD1 variant is inherited from the affected parent (Audrézet et al. 2015. PubMed ID: 26139440). This variant is reported in 0.0014% of alleles in individuals of European (Non-Finnish) descent in gnomAD. At this time, the clinical significance of this variant is uncertain due to the absence of conclusive functional and genetic evidence.

Fulgent Genetics
Classification: Uncertain significance for Polycystic kidney disease, adult type. Last evaluated: 2024-01-30. Review status: criteria provided, single submitter. Criteria: ACMG Guidelines, 2015. Collection method: clinical testing. Allele origin: germline.

Department of Pathology and Laboratory Medicine, Sinai Health System
Classification: Uncertain significance for Polycystic kidney disease, adult type. Last evaluated: 2018-12-10. Review status: criteria provided, single submitter. Criteria: ACMG Guidelines, 2015. Collection method: clinical testing. Allele origin: germline. Affected: yes.

Athena Diagnostics
Classification: Uncertain significance. Last evaluated: 2018-04-04. Review status: criteria provided, single submitter. Criteria: Athena Diagnostics Criteria. Collection method: clinical testing. Allele origin: germline.

ARUP Laboratories, Molecular Genetics and Genomics, ARUP Laboratories
Classification: Uncertain significance. Last evaluated: 2016-11-01. Review status: criteria provided, single submitter. Criteria: ARUP Molecular Germline Variant Investigation Process. Collection method: clinical testing. Allele origin: germline.

Literature cited by the submitters: PubMed 26139440 (cited by Department of Pathology and Laboratory Medicine, Sinai Health System).

NM_001009944.3(PKD1):c.9815G>A (p.Arg3272His)

Gene: PKD1 (polycystin 1, transient receptor potential channel interacting; minus strand). Cytogenetic location: 16p13.3.
Variant type: single nucleotide variant.
Coding change: c.9815G>A on transcript NM_001009944.3 (MANE Select); coding-DNA position 9815, G replaced by A.
Protein change: p.Arg3272His; replaces arginine 3272 with histidine.
Molecular consequence: missense variant.
Genome position (GRCh38, 1-based): chr16:2,099,969, C>T on the plus strand (G>A on the coding strand, the complement: PKD1 is on the minus strand). VCF-style: chr16-2099969-C-T. GRCh37 (hg19) VCF-style: chr16-2149970-C-T.
Other names: c.9815G>A, p.Arg3272His (NM_000296.4); c.9815G>A (NM_001009944.2); short protein forms R3272H.
Identifiers: ClinVar variation 440094 (VCV000440094.11), dbSNP rs1452116333, ClinGen allele CA394353772.